The following is an entry in ClinVar:

ClinVar aggregate classification (germline): Pathogenic. Review status: criteria provided, single submitter (1 of 4 stars). 2 submissions from 2 submitters: Pathogenic (1). 1 of the submissions does not count toward it. Last evaluated 2023-05-25.

Conditions:
Neurofibromatosis, type 1 (NF1). Also called: Neurofibromatosis, type I; NEUROFIBROMATOSIS, TYPE I, SOMATIC; Peripheral type neurofibromatosis; VON RECKLINGHAUSEN DISEASE. Identifiers: Orphanet 636, MedGen C0027831, MONDO:0018975, OMIM 162200. Disease mechanism: loss of function.

Submissions (2):

Labcorp Genetics (formerly Invitae), Labcorp
Classification: Pathogenic for Neurofibromatosis, type 1. Last evaluated: 2023-05-25. Review status: criteria provided, single submitter. Criteria: Invitae Variant Classification Sherloc (09022015). Collection method: clinical testing. Allele origin: germline.
Comment: For these reasons, this variant has been classified as Pathogenic. ClinVar contains an entry for this variant (Variation ID: 431604). This premature translational stop signal has been observed in individual(s) with neurofibromatosis, type 1 (PMID: 28961165). This variant is not present in population databases (gnomAD no frequency). This sequence change creates a premature translational stop signal (p.Glu740*) in the NF1 gene. It is expected to result in an absent or disrupted protein product. Loss-of-function variants in NF1 are known to be pathogenic (PMID: 10712197, 23913538).

Medical Genetics, University of Parma
Classification: Pathogenic for Neurofibromatosis type 1. Last evaluated: 2017-02-02. Review status: no assertion criteria provided. Collection method: clinical testing. Allele origin: germline. Affected: yes. Not counted in ClinVar's aggregate classification.

Literature cited by the submitters: PubMed 28961165 (cited by Labcorp Genetics (formerly Invitae), Labcorp); PubMed 10712197 (cited by Labcorp Genetics (formerly Invitae), Labcorp); PubMed 23913538 (cited by Labcorp Genetics (formerly Invitae), Labcorp).

NM_001042492.3(NF1):c.2218G>T (p.Glu740Ter)

Gene: NF1 (neurofibromin 1; plus strand). Cytogenetic location: 17q11.2.
Variant type: single nucleotide variant.
Coding change: c.2218G>T on transcript NM_001042492.3 (MANE Select); coding-DNA position 2218, G replaced by T.
Protein change: p.Glu740Ter; replaces glutamic acid 740 with a stop codon.
Molecular consequence: nonsense.
Genome position (GRCh38, 1-based): chr17:31,226,651, G>T. VCF-style: chr17-31226651-G-T. GRCh37 (hg19) VCF-style: chr17-29553669-G-T.
Other names: c.2218G>T, p.Glu740Ter (NM_000267.4); short protein forms E740*.
Identifiers: ClinVar variation 431604 (VCV000431604.4), dbSNP rs1135402827, ClinGen allele CA398982522.